The following is an entry in ClinVar:

NM_000219.6(KCNE1):c.274A>T (p.Lys92Ter)

Gene: KCNE1 (potassium voltage-gated channel subfamily E regulatory subunit 1; minus strand). Cytogenetic location: 21q22.12.
Variant type: single nucleotide variant.
Coding change: c.274A>T on transcript NM_000219.6 (MANE Select); coding-DNA position 274, A replaced by T.
Protein change: p.Lys92Ter; replaces lysine 92 with a stop codon.
Molecular consequence: nonsense.
Genome position (GRCh38, 1-based): chr21:34,449,361, T>A on the plus strand (A>T on the coding strand, the complement: KCNE1 is on the minus strand). VCF-style: chr21-34449361-T-A. GRCh37 (hg19) VCF-style: chr21-35821659-T-A.
Other names: c.274A>T, p.Lys92Ter (NM_001127668.4, NM_001127669.4, NM_001127670.4 and 4 more transcripts); short protein forms K92*.
Identifiers: ClinVar variation 3374505 (VCV003374505.2).
Genomic context (GRCh38, chr21:34,449,361, plus strand): 5'-GGTTTTCAACGACATAGCACGACCTGTAGCTCTCCAGGACCCGGGCCTGGACATAGGCCT[T>A]GTCCTTCTCTTGCCAGGCATCGGACTCGATGTAGACGTTGAATGGGTCGTTCGAGTGCTC-3'

Conditions:
Long QT syndrome 5 (LQT5). Identifiers: Orphanet 101016, Orphanet 768, MedGen C1867904, MONDO:0013372, OMIM 613695.

Submission:

Roden Lab, Vanderbilt University Medical Center
No classification provided (evidence only). Condition: Long QT syndrome 5. Review status: no classification provided. Collection method: in vitro. Allele origin: not applicable. Functional consequence: Effect on ion channel function.
ClinVar note: "not provided" was previously submitted as the classification for the variant. However, the classification appeared to be based only on an observation of functional data so it was converted to no classification on 2025-07-30.